The following is an entry in ClinVar:

NM_001457.4(FLNB):c.563C>G (p.Ser188Cys)

Gene: FLNB (filamin B; plus strand). Cytogenetic location: 3p14.3.
Variant type: single nucleotide variant.
Coding change: c.563C>G on transcript NM_001457.4 (MANE Select); coding-DNA position 563, C replaced by G.
Protein change: p.Ser188Cys; replaces serine 188 with cysteine.
Molecular consequence: missense variant.
Genome position (GRCh38, 1-based): chr3:58,078,738, C>G. VCF-style: chr3-58078738-C-G. GRCh37 (hg19) VCF-style: chr3-58064465-C-G.
Other names: c.563C>G, p.Ser188Cys (NM_001164317.2, NM_001164318.2, NM_001164319.2); short protein forms S188C.
Identifiers: ClinVar variation 900476 (VCV000900476.7), dbSNP rs752318884, ClinGen allele CA2467562.
Genomic context (GRCh38, chr3:58,078,738, plus strand): 5'-CAGCTAATGCTAAAAGAATCTTTTGTGTTCTGTTAACAGGTCTGTGCCCAGACTGGGAAT[C>G]CTGGGACCCGCAGAAGCCTGTGGATAATGCACGAGAAGCCATGCAGCAGGCAGATGACTG-3'
Protein context (NP_001448.2, residues 178-198): CAPGLCPDWE[Ser188Cys]WDPQKPVDNA

ClinVar aggregate classification (germline): Uncertain significance. Review status: criteria provided, multiple submitters, no conflicts (2 of 4 stars). 2 submissions from 2 submitters: Uncertain significance (2). Last evaluated 2025-03-22.

Conditions:
FLNB-Related Spectrum Disorders.

Allele frequency attached by ClinVar (database versions not stated): ExAC 0.00001; gnomAD 0.00001; gnomAD exomes 0.00001; TOPMed 0.00002.
gnomAD v4.1: 4 of 1,613,712 alleles (0.00025%); highest among the groups gnomAD compares: Non-Finnish European, 0.00034%; no homozygotes.

Submissions (2):

Labcorp Genetics (formerly Invitae), Labcorp
Classification: Uncertain significance. Last evaluated: 2025-03-22. Review status: criteria provided, single submitter. Criteria: Invitae Variant Classification Sherloc (09022015). Collection method: clinical testing. Allele origin: germline.
Comment: This sequence change replaces serine, which is neutral and polar, with cysteine, which is neutral and slightly polar, at codon 188 of the FLNB protein (p.Ser188Cys). This variant is present in population databases (rs752318884, gnomAD 0.002%). This variant has not been reported in the literature in individuals affected with FLNB-related conditions. ClinVar contains an entry for this variant (Variation ID: 900476). Invitae Evidence Modeling of protein sequence and biophysical properties (such as structural, functional, and spatial information, amino acid conservation, physicochemical variation, residue mobility, and thermodynamic stability) indicates that this missense variant is not expected to disrupt FLNB protein function with a negative predictive value of 95%. In summary, the available evidence is currently insufficient to determine the role of this variant in disease. Therefore, it has been classified as a Variant of Uncertain Significance.

Illumina Laboratory Services, Illumina
Classification: Uncertain significance for FLNB-Related Spectrum Disorders. Last evaluated: 2018-01-13. Review status: criteria provided, single submitter. Criteria: ICSL Variant Classification Criteria 13 December 2019. Collection method: clinical testing. Allele origin: germline.